The following is an entry in ClinVar:

NM_182961.4(SYNE1):c.7724A>T (p.Asp2575Val)

Gene: SYNE1 (spectrin repeat containing nuclear envelope protein 1; minus strand). Cytogenetic location: 6q25.2.
Variant type: single nucleotide variant.
Coding change: c.7724A>T on transcript NM_182961.4 (MANE Select); coding-DNA position 7724, A replaced by T.
Protein change: p.Asp2575Val; replaces aspartic acid 2575 with valine.
Molecular consequence: missense variant.
Genome position (GRCh38, 1-based): chr6:152,391,557, T>A on the plus strand (A>T on the coding strand, the complement: SYNE1 is on the minus strand). VCF-style: chr6-152391557-T-A. GRCh37 (hg19) VCF-style: chr6-152712692-T-A.
Other names: c.7745A>T, p.Asp2582Val (NM_033071.5); short protein forms D2582V, D2575V.
Identifiers: ClinVar variation 1492704 (VCV001492704.6), dbSNP rs1382595953, ClinGen allele CA366109432.
Genomic context (GRCh38, chr6:152,391,557, plus strand): 5'-CCCTCCTGCCCAGCACCGTGGCCTTCTTCACTCAGAAGCTGCCCTCTCTGGGAAAGCTTA[T>A]CAAGAGACTCTCTGAAAAAAAGGAAAAAAAAAAAAAAGAAAAAAAATTAATTCTGACATC-3'
Protein context (NP_892006.3, residues 2565-2585): GELLAARESL[Asp2575Val]KLSQRGQLLS

ClinVar aggregate classification (germline): Uncertain significance (1 of 4 stars; one submission).

Conditions:
Autosomal recessive ataxia, Beauce type. Also called: SYNE1-Related Autosomal Recessive Cerebellar Ataxia; Spinocerebellar ataxia, autosomal recessive 8; ATAXIA, RECESSIVE, OF BEAUCE; SYNE1 Deficiency. Identifiers: Orphanet 88644, MedGen C1853116, MONDO:0012549, OMIM 610743.
Emery-Dreifuss muscular dystrophy 4, autosomal dominant (EDMD4). Also called: EMERY-DREIFUSS MUSCULAR DYSTROPHY 4 WITH VARIABLE FEATURES. Identifiers: Orphanet 261, MedGen C2751807, MONDO:0013071, OMIM 612998.

Submission:

Labcorp Genetics (formerly Invitae), Labcorp
Classification: Uncertain significance for Emery-Dreifuss muscular dystrophy 4, autosomal dominant; Autosomal recessive ataxia, Beauce type. Last evaluated: 2021-10-14. Review status: criteria provided, single submitter. Criteria: Invitae Variant Classification Sherloc (09022015). Collection method: clinical testing. Allele origin: germline.
Comment: This variant is not present in population databases (ExAC no frequency). In summary, the available evidence is currently insufficient to determine the role of this variant in disease. Therefore, it has been classified as a Variant of Uncertain Significance. Algorithms developed to predict the effect of missense changes on protein structure and function (SIFT, PolyPhen-2, Align-GVGD) all suggest that this variant is likely to be disruptive. This variant has not been reported in the literature in individuals affected with SYNE1-related conditions. This sequence change replaces aspartic acid with valine at codon 2582 of the SYNE1 protein (p.Asp2582Val). The aspartic acid residue is highly conserved and there is a large physicochemical difference between aspartic acid and valine.